The following is an entry in ClinVar:

NM_005751.5(AKAP9):c.9249G>C (p.Gln3083His)

Gene: AKAP9 (A-kinase anchoring protein 9; plus strand). Cytogenetic location: 7q21.2.
Variant type: single nucleotide variant.
Coding change: c.9249G>C on transcript NM_005751.5 (MANE Select); coding-DNA position 9249, G replaced by C.
Protein change: p.Gln3083His; replaces glutamine 3083 with histidine.
Molecular consequence: missense variant.
Genome position (GRCh38, 1-based): chr7:92,089,420, G>C. VCF-style: chr7-92089420-G-C. GRCh37 (hg19) VCF-style: chr7-91718734-G-C.
Other names: c.3894G>C, p.Gln1298His (NM_001379277.1); c.9225G>C, p.Gln3075His (NM_147185.3); short protein forms Q3083H, Q1298H, Q3075H.
Identifiers: ClinVar variation 4779398 (VCV004779398.1).

ClinVar aggregate classification (germline): Uncertain significance (1 of 4 stars; one submission).

Conditions:
Long QT syndrome (LQTS). Identifiers: MedGen C0023976, MeSH D008133, MONDO:0002442. Disease mechanism: loss of function. Inheritance: Various modes of inheritance.

gnomAD v4.1: 1 of 1,612,092 alleles (0.000062%); highest among the groups gnomAD compares: Admixed American, 0.0017%; no homozygotes.

Submission:

Labcorp Genetics (formerly Invitae), Labcorp
Classification: Uncertain significance for Long QT syndrome. Last evaluated: 2026-01-26. Review status: criteria provided, single submitter. Criteria: Invitae Variant Classification Sherloc (09022015). Collection method: clinical testing. Allele origin: germline.
Comment: This sequence change replaces glutamine, which is neutral and polar, with histidine, which is basic and polar, at codon 3083 of the AKAP9 protein (p.Gln3083His). This variant is present in population databases (no rsID available, gnomAD 0.003%). This variant has not been reported in the literature in individuals affected with AKAP9-related conditions. An algorithm developed to predict the effect of missense changes on protein structure and function (PolyPhen-2) suggests that this variant is likely to be disruptive. In summary, the available evidence is currently insufficient to determine the role of this variant in disease. Therefore, it has been classified as a Variant of Uncertain Significance.